The following is an entry in ClinVar:

ClinVar aggregate classification (germline): Uncertain significance (1 of 4 stars; one submission).

Allele frequency attached by ClinVar (database versions not stated): gnomAD exomes below 0.00001; TOPMed below 0.00001.
gnomAD v4.1: 2 of 1,599,496 alleles (0.00013%); highest among the groups gnomAD compares: Admixed American, 0.0035%; no homozygotes.

Submission:

Labcorp Genetics (formerly Invitae), Labcorp
Classification: Uncertain significance. Last evaluated: 2024-03-04. Review status: criteria provided, single submitter. Criteria: Invitae Variant Classification Sherloc (09022015). Collection method: clinical testing. Allele origin: germline.
Comment: This sequence change replaces threonine, which is neutral and polar, with isoleucine, which is neutral and non-polar, at codon 66 of the SAG protein (p.Thr66Ile). The frequency data for this variant in the population databases is considered unreliable, as metrics indicate poor data quality at this position in the gnomAD database. This variant has not been reported in the literature in individuals affected with SAG-related conditions. ClinVar contains an entry for this variant (Variation ID: 1959330). Advanced modeling of protein sequence and biophysical properties (such as structural, functional, and spatial information, amino acid conservation, physicochemical variation, residue mobility, and thermodynamic stability) performed at Invitae indicates that this missense variant is not expected to disrupt SAG protein function with a negative predictive value of 80%. In summary, the available evidence is currently insufficient to determine the role of this variant in disease. Therefore, it has been classified as a Variant of Uncertain Significance.

NM_000541.5(SAG):c.197C>T (p.Thr66Ile)

Gene: SAG (S-antigen visual arrestin; plus strand). Cytogenetic location: 2q37.1.
Variant type: single nucleotide variant.
Coding change: c.197C>T on transcript NM_000541.5 (MANE Select); coding-DNA position 197, C replaced by T.
Protein change: p.Thr66Ile; replaces threonine 66 with isoleucine.
Molecular consequence: missense variant.
Genome position (GRCh38, 1-based): chr2:233,320,645, C>T. VCF-style: chr2-233320645-C-T. GRCh37 (hg19) VCF-style: chr2-234229291-C-T.
Other names: short protein forms T66I.
Identifiers: ClinVar variation 1959330 (VCV001959330.5), dbSNP rs1485741046, ClinGen allele CA351046118.